The following is an entry in ClinVar:

NM_000135.4(FANCA):c.3616T>A (p.Phe1206Ile)

Gene: FANCA (FA complementation group A; minus strand). Cytogenetic location: 16q24.3.
Variant type: single nucleotide variant.
Coding change: c.3616T>A on transcript NM_000135.4 (MANE Select); coding-DNA position 3616, T replaced by A.
Protein change: p.Phe1206Ile; replaces phenylalanine 1206 with isoleucine.
Molecular consequence: missense variant.
Genome position (GRCh38, 1-based): chr16:89,744,969, A>T on the plus strand (T>A on the coding strand, the complement: FANCA is on the minus strand). VCF-style: chr16-89744969-A-T. GRCh37 (hg19) VCF-style: chr16-89811377-A-T.
Other names: c.3616T>A, p.Phe1206Ile (NM_001286167.3); short protein forms F1206I.
Identifiers: ClinVar variation 4254324 (VCV004254324.1).
Genomic context (GRCh38, chr16:89,744,969, plus strand): 5'-TCCCGAAGTGCATCTGGGCGGGCACACCCCATCTCACCACCCACACGTACTCGCTGGCAA[A>T]CTGCCGGCCTTCTTGTAGCTTCTGCAGTTCCCGGGGCAGCGGGCTCTGGCAGTGTCTCCT-3'
Protein context (NP_000126.2, residues 1196-1216): ELQKLQEGRQ[Phe1206Ile]ASDFLSPEAA

ClinVar aggregate classification (germline): Uncertain significance (1 of 4 stars; one submission).

Conditions:
Inborn genetic diseases. Identifiers: MedGen C0950123, MeSH D030342.

Submission:

Ambry Genetics
Classification: Uncertain significance for Inborn genetic diseases. Last evaluated: 2025-09-01. Review status: criteria provided, single submitter. Criteria: Ambry Variant Classification Scheme 2023. Collection method: clinical testing. Allele origin: germline.
Comment: The p.F1206I variant (also known as c.3616T>A), located in coding exon 36 of the FANCA gene, results from a T to A substitution at nucleotide position 3616. The phenylalanine at codon 1206 is replaced by isoleucine, an amino acid with highly similar properties. This amino acid position is conserved. In addition, the in silico prediction for this alteration is inconclusive. Based on the available evidence, the clinical significance of this variant remains unclear.